The following is an entry in ClinVar:

ClinVar aggregate classification (germline): Likely benign. Review status: criteria provided, multiple submitters, no conflicts (2 of 4 stars). 3 submissions from 3 submitters: Likely benign (2). 1 of the submissions does not count toward it. Last evaluated 2025-11-05.

Conditions:
Myopathy, proximal, and ophthalmoplegia (CMYO6). Also called: CONGENITAL MYOPATHY 6 WITH OPHTHALMOPLEGIA; MYOPATHY WITH CONGENITAL JOINT CONTRACTURES, OPHTHALMOPLEGIA, AND RIMMED VACUOLES; INCLUSION BODY MYOPATHY 3, AUTOSOMAL DOMINANT. Identifiers: Orphanet 363677, Orphanet 79091, MedGen C1854106, MONDO:0011577, OMIM 605637.
MYH2-related disorder. Also called: MYH2-related condition.

Allele frequency attached by ClinVar (database versions not stated): gnomAD exomes below 0.00001; TOPMed below 0.00001.

Submissions (3):

Labcorp Genetics (formerly Invitae), Labcorp
Classification: Likely benign for Myopathy, proximal, and ophthalmoplegia. Last evaluated: 2025-11-05. Review status: criteria provided, single submitter. Criteria: Invitae Variant Classification Sherloc (09022015). Collection method: clinical testing. Allele origin: germline.

Breakthrough Genomics
Classification: Likely benign. Review status: criteria provided, single submitter. Criteria: ACMG Guidelines, 2015. Collection method: not provided. Allele origin: germline. Inheritance: Autosomal dominant inheritance. Affected: yes.

PreventionGenetics, part of Exact Sciences
Classification: Likely benign for MYH2-related condition. Last evaluated: 2022-07-08. Review status: no assertion criteria provided. Collection method: clinical testing. Allele origin: germline. Not counted in ClinVar's aggregate classification.
Comment: This variant is classified as likely benign based on ACMG/AMP sequence variant interpretation guidelines (Richards et al. 2015 PMID: 25741868, with internal and published modifications).

NM_017534.6(MYH2):c.4770C>T (p.Asp1590=)

Genes: MYH2 (myosin heavy chain 2; minus strand), MYHAS (myosin heavy chain gene cluster antisense RNA; plus strand), LOC126862500 (BRD4-independent group 4 enhancer GRCh37_chr17:10427829-10429028; plus strand). Cytogenetic location: 17p13.1.
Variant type: single nucleotide variant.
Coding change: c.4770C>T on transcript NM_017534.6 (MANE Select); coding-DNA position 4770, C replaced by T.
Protein change: p.Asp1590=; no amino-acid change (aspartic acid 1590 retained).
Molecular consequence: synonymous variant.
Genome position (GRCh38, 1-based): chr17:10,524,958, G>A on the plus strand (C>T on the coding strand, the complement: MYH2 is on the minus strand). VCF-style: chr17-10524958-G-A. GRCh37 (hg19) VCF-style: chr17-10428275-G-A.
Other names: c.4770C>T, p.Asp1590= (NM_001100112.2).
Identifiers: ClinVar variation 732100 (VCV000732100.10), dbSNP rs1382560529, ClinGen allele CA497975991.